The following is an entry in ClinVar:

ClinVar aggregate classification (germline): Uncertain significance. Review status: criteria provided, multiple submitters, no conflicts (2 of 4 stars). 2 submissions from 2 submitters: Uncertain significance (2). Last evaluated 2025-08-19.

Conditions:
Hereditary cancer-predisposing syndrome. Also called: Hereditary neoplastic syndrome; Neoplastic Syndromes, Hereditary; Hereditary Cancer Syndrome; Tumor predisposition. Identifiers: Orphanet 140162, MedGen C0027672, MeSH D009386, MONDO:0015356.
Hereditary breast ovarian cancer syndrome. Also called: BRCA1- and BRCA2-Associated Hereditary Breast and Ovarian Cancer; Hereditary breast and ovarian cancer syndrome (HBOC); Hereditary breast and/or ovarian cancer syndrome; Hereditary breast and ovarian cancer syndrome; Hereditary breast and ovarian cancer; Breast and ovarian cancer. Identifiers: Orphanet 145, MedGen C0677776, MeSH D061325, MONDO:0003582. Disease mechanism: loss of function.

Submissions (2):

Color Diagnostics, LLC DBA Color Health
Classification: Uncertain significance for Hereditary cancer-predisposing syndrome. Last evaluated: 2025-08-19. Review status: criteria provided, single submitter. Criteria: ACMG Guidelines, 2015. Collection method: clinical testing. Allele origin: germline.
Comment: This missense variant replaces glycine with valine at codon 2816 of the BRCA2 protein. Computational prediction suggests that this variant may not impact protein structure and function. Functional studies have reported that this variant does not impact BRCA2 in a haploid cell proliferation assay and in sensitivity assays to cisplatin and PARP inhibitor (PMID: 39779848, 39779857). To our knowledge, this variant has not been reported in individuals affected with BRCA2-related disorders in the literature. This variant has not been identified in the general population by the Genome Aggregation Database (gnomAD). The available evidence is insufficient to determine the role of this variant in disease conclusively. Therefore, this variant is classified as a Variant of Uncertain Significance.

Labcorp Genetics (formerly Invitae), Labcorp
Classification: Uncertain significance for Hereditary breast ovarian cancer syndrome. Last evaluated: 2022-09-06. Review status: criteria provided, single submitter. Criteria: Invitae Variant Classification Sherloc (09022015). Collection method: clinical testing. Allele origin: germline.
Comment: In summary, the available evidence is currently insufficient to determine the role of this variant in disease. Therefore, it has been classified as a Variant of Uncertain Significance. Advanced modeling of protein sequence and biophysical properties (such as structural, functional, and spatial information, amino acid conservation, physicochemical variation, residue mobility, and thermodynamic stability) performed at Invitae indicates that this missense variant is not expected to disrupt BRCA2 protein function. This variant has not been reported in the literature in individuals affected with BRCA2-related conditions. This variant is not present in population databases (gnomAD no frequency). This sequence change replaces glycine, which is neutral and non-polar, with valine, which is neutral and non-polar, at codon 2816 of the BRCA2 protein (p.Gly2816Val).

Literature cited by the submitters: PubMed 39779848 (cited by Color Diagnostics, LLC DBA Color Health); PubMed 39779857 (cited by Color Diagnostics, LLC DBA Color Health).

NM_000059.4(BRCA2):c.8447G>T (p.Gly2816Val)

Gene: BRCA2 (BRCA2 DNA repair associated; plus strand). Cytogenetic location: 13q13.1.
Variant type: single nucleotide variant.
Coding change: c.8447G>T on transcript NM_000059.4 (MANE Select); coding-DNA position 8447, G replaced by T.
Protein change: p.Gly2816Val; replaces glycine 2816 with valine.
Molecular consequence: missense variant.
Genome position (GRCh38, 1-based): chr13:32,370,517, G>T. VCF-style: chr13-32370517-G-T. GRCh37 (hg19) VCF-style: chr13-32944654-G-T.
Other names: c.8351G>T, p.Gly2784Val (NM_001406719.1); c.8447G>T, p.Gly2816Val (NM_001406720.1); c.3515G>T, p.Gly1172Val (NM_001406721.1); c.2030G>T, p.Gly677Val (NM_001406722.1); short protein forms G1172V, G2784V, G2816V, G677V.
Identifiers: ClinVar variation 1717999 (VCV001717999.7), dbSNP rs56096120, ClinGen allele CA387752576.